The following is an entry in ClinVar:

NM_000059.4(BRCA2):c.2206G>A (p.Ala736Thr)

Gene: BRCA2 (BRCA2 DNA repair associated; plus strand). Cytogenetic location: 13q13.1.
Variant type: single nucleotide variant.
Coding change: c.2206G>A on transcript NM_000059.4 (MANE Select); coding-DNA position 2206, G replaced by A.
Protein change: p.Ala736Thr; replaces alanine 736 with threonine.
Molecular consequence: missense variant.
Genome position (GRCh38, 1-based): chr13:32,336,561, G>A. VCF-style: chr13-32336561-G-A. GRCh37 (hg19) VCF-style: chr13-32910698-G-A.
Other names: p.A736T:GCA>ACA; short protein forms A736T.
Identifiers: ClinVar variation 182188 (VCV000182188.15), dbSNP rs730881513, ClinGen allele CA014584.

ClinVar aggregate classification (germline): Conflicting classifications of pathogenicity. Review status: criteria provided, conflicting classifications (1 of 4 stars). 5 submissions from 5 submitters: Uncertain significance (3); Likely benign (2). Last evaluated 2025-08-05.

Conditions:
Hereditary cancer-predisposing syndrome. Also called: Tumor predisposition; Hereditary Cancer Syndrome; Hereditary neoplastic syndrome; Neoplastic Syndromes, Hereditary. Identifiers: Orphanet 140162, MedGen C0027672, MeSH D009386, MONDO:0015356.
Hereditary breast ovarian cancer syndrome. Also called: Breast and ovarian cancer; Hereditary breast and ovarian cancer; Hereditary breast and/or ovarian cancer syndrome; BRCA1- and BRCA2-Associated Hereditary Breast and Ovarian Cancer; Hereditary breast and ovarian cancer syndrome (HBOC); Hereditary breast and ovarian cancer syndrome. Identifiers: Orphanet 145, MedGen C0677776, MeSH D061325, MONDO:0003582. Disease mechanism: loss of function.

Allele frequency attached by ClinVar (database versions not stated): gnomAD exomes below 0.00001.
gnomAD v4.1: 1 of 1,614,076 alleles (0.000062%); highest among the groups gnomAD compares: Non-Finnish European, 0.000085%; no homozygotes.

Submissions (5):

Labcorp Genetics (formerly Invitae), Labcorp
Classification: Uncertain significance for Hereditary breast ovarian cancer syndrome. Last evaluated: 2025-08-05. Review status: criteria provided, single submitter. Criteria: Invitae Variant Classification Sherloc (09022015). Collection method: clinical testing. Allele origin: germline.
Comment: This sequence change replaces alanine, which is neutral and non-polar, with threonine, which is neutral and polar, at codon 736 of the BRCA2 protein (p.Ala736Thr). This variant is not present in population databases (gnomAD no frequency). This variant has not been reported in the literature in individuals affected with BRCA2-related conditions. ClinVar contains an entry for this variant (Variation ID: 182188). Invitae Evidence Modeling of protein sequence and biophysical properties (such as structural, functional, and spatial information, amino acid conservation, physicochemical variation, residue mobility, and thermodynamic stability) indicates that this missense variant is not expected to disrupt BRCA2 protein function with a negative predictive value of 95%. In summary, the available evidence is currently insufficient to determine the role of this variant in disease. Therefore, it has been classified as a Variant of Uncertain Significance.

Women's Health and Genetics/Laboratory Corporation of America, LabCorp
Classification: Uncertain significance. Last evaluated: 2024-04-30. Review status: criteria provided, single submitter. Criteria: LabCorp Variant Classification Summary - May 2015. Collection method: clinical testing. Allele origin: germline.
Comment: Variant summary: BRCA2 c.2206G>A (p.Ala736Thr) results in a non-conservative amino acid change in the encoded protein sequence. Four of five in-silico tools predict a benign effect of the variant on protein function. The variant allele was found at a frequency of 6.8e-07 in 1461764 control chromosomes. The available data on variant occurrences in the general population are insufficient to allow any conclusion about variant significance. To our knowledge, no occurrence of c.2206G>A in individuals affected with Hereditary Breast And Ovarian Cancer Syndrome and no experimental evidence demonstrating its impact on protein function have been reported. ClinVar contains an entry for this variant (Variation ID: 182188). Based on the evidence outlined above, the variant was classified as uncertain significance.

University of Washington Department of Laboratory Medicine, University of Washington
Classification: Likely benign for Hereditary cancer-predisposing syndrome. Last evaluated: 2023-03-23. Review status: criteria provided, single submitter. Criteria: Dines et al. (Genet Med. 2020). Collection method: curation. Allele origin: germline.
Comment: Missense variant in a coldspot region where missense variants are very unlikely to be pathogenic (PMID:31911673).

BRCA2 exon 11 coldspot. Reclassification based on statistical prior probability.

Ambry Genetics
Classification: Likely benign for Hereditary cancer-predisposing syndrome. Last evaluated: 2021-02-04. Review status: criteria provided, single submitter. Criteria: Ambry Variant Classification Scheme 2023. Collection method: clinical testing. Allele origin: germline.

GeneDx
Classification: Uncertain significance. Last evaluated: 2015-01-05. Review status: criteria provided, single submitter. Criteria: GeneDx Variant Classification (06012015). Collection method: clinical testing. Allele origin: germline. Affected: yes.
Comment: This variant is denoted BRCA2 c.2206G>A at the cDNA level, p.Ala736Thr (A736T) at the protein level, and results in the change of an Alanine to a Threonine (GCA>ACA). This variant has not, to our knowledge, been published in the literature as pathogenic or benign. BRCA2 Ala736Thr was not observed in approximately 6,500 individuals of European and African American ancestry in the NHLBI Exome Sequencing Project, indicating it is not a common benign variant in these populations. Sinc Alanine and Threonine differ in polarity, charge, size or other properties, this is considered a non-conservative amino acid substitution. BRCA2 Ala736Thr occurs at a position that is variable across species and is located within the region of interaction with NPM1 (UniProt). In silico analyses predict that this variant is unlikely to alter protein structure or function. Based on currently available information, it is unclear whether BRCA2 Ala736Thr is pathogenic or benign. We consider it to be a variant of uncertain significance.